The following is an entry in ClinVar:

NM_205836.3(FBXO38):c.2128A>G (p.Ser710Gly)

Gene: FBXO38 (F-box protein 38; plus strand). Cytogenetic location: 5q32.
Variant type: single nucleotide variant.
Coding change: c.2128A>G on transcript NM_205836.3 (MANE Select); coding-DNA position 2128, A replaced by G.
Protein change: p.Ser710Gly; replaces serine 710 with glycine.
Molecular consequence: missense variant. On other transcripts: intron variant (1).
Genome position (GRCh38, 1-based): chr5:148,427,422, A>G. VCF-style: chr5-148427422-A-G. GRCh37 (hg19) VCF-style: chr5-147806985-A-G.
Other names: c.2128A>G, p.Ser710Gly (NM_030793.5); c.1918+1721A>G (NM_001271723.2); short protein forms S710G.
Identifiers: ClinVar variation 1355172 (VCV001355172.6), dbSNP rs2113627979, ClinGen allele CA361656911.

ClinVar aggregate classification (germline): Uncertain significance (1 of 4 stars; one submission).

Conditions:
Distal hereditary motor neuropathy type 2. Identifiers: Orphanet 139525, MedGen C3711384, MeSH C580044, MONDO:0015352.

Allele frequency attached by ClinVar (database versions not stated): gnomAD exomes below 0.00001.
gnomAD v4.1: 7 of 1,614,202 alleles (0.00043%); highest among the groups gnomAD compares: Non-Finnish European, 0.00059%; no homozygotes.

Submission:

Labcorp Genetics (formerly Invitae), Labcorp
Classification: Uncertain significance for Distal hereditary motor neuropathy type 2. Last evaluated: 2021-10-20. Review status: criteria provided, single submitter. Criteria: Invitae Variant Classification Sherloc (09022015). Collection method: clinical testing. Allele origin: germline.
Comment: In summary, the available evidence is currently insufficient to determine the role of this variant in disease. Therefore, it has been classified as a Variant of Uncertain Significance. Algorithms developed to predict the effect of missense changes on protein structure and function (SIFT, PolyPhen-2, Align-GVGD) all suggest that this variant is likely to be tolerated. This variant has not been reported in the literature in individuals affected with FBXO38-related conditions. This variant is not present in population databases (ExAC no frequency). This sequence change replaces serine with glycine at codon 710 of the FBXO38 protein (p.Ser710Gly). The serine residue is moderately conserved and there is a small physicochemical difference between serine and glycine.